The following is an entry in ClinVar:

ClinVar aggregate classification (germline): Uncertain significance. Review status: criteria provided, multiple submitters, no conflicts (2 of 4 stars). 2 submissions from 2 submitters: Uncertain significance (2). Last evaluated 2023-09-03.

Conditions:
Alpha thalassemia-X-linked intellectual disability syndrome (ATRX). Also called: ALPHA-THALASSEMIA/MENTAL RETARDATION SYNDROME, X-LINKED; X-linked alpha-thalassemia-mental retardation syndrome; ATR-X syndrome; Alpha thalassemia mental retardation syndrome, nondeletion type, X-linked; XLMR hypotonic face syndrome; ATR, NONDELETION TYPE. Identifiers: Orphanet 847, MedGen C1845055, MONDO:0010519, OMIM 301040.

Submissions (2):

Labcorp Genetics (formerly Invitae), Labcorp
Classification: Uncertain significance for Alpha thalassemia-X-linked intellectual disability syndrome. Last evaluated: 2023-09-03. Review status: criteria provided, single submitter. Criteria: Invitae Variant Classification Sherloc (09022015). Collection method: clinical testing. Allele origin: germline.
Comment: This sequence change replaces arginine, which is basic and polar, with glycine, which is neutral and non-polar, at codon 418 of the ATRX protein (p.Arg418Gly). This variant is not present in population databases (gnomAD no frequency). This variant has not been reported in the literature in individuals affected with ATRX-related conditions. ClinVar contains an entry for this variant (Variation ID: 390478). Advanced modeling of protein sequence and biophysical properties (such as structural, functional, and spatial information, amino acid conservation, physicochemical variation, residue mobility, and thermodynamic stability) performed at Invitae indicates that this missense variant is not expected to disrupt ATRX protein function. In summary, the available evidence is currently insufficient to determine the role of this variant in disease. Therefore, it has been classified as a Variant of Uncertain Significance.

GeneDx
Classification: Uncertain significance. Last evaluated: 2016-10-31. Review status: criteria provided, single submitter. Criteria: GeneDx Variant Classification (06012015). Collection method: clinical testing. Allele origin: germline. Affected: yes.
Comment: A variant of uncertain significance has been identified in the ATRX gene. The R418G variant has not been published as a pathogenic variant, nor has it been reported as a benign variant to our knowledge. It was not observed in approximately 6,500 individuals of European and African American ancestry in the NHLBI Exome Sequencing Project, indicating it is not a common benign variant in these populations. The R418G variant is a non-conservative amino acid substitution, which is likely to impact secondary protein structure as these residues differ in polarity, charge, size and/or other properties. However, this substitution occurs at a position that is not conserved, and in silico analysis predicts the R418G variant likely does not alter the protein structure/function. Therefore, based on the currently available information, it is unclear whether this variant is a pathogenic variant or a rare benign variant.

NM_000489.6(ATRX):c.1252C>G (p.Arg418Gly)

Gene: ATRX (ATRX chromatin remodeler; minus strand). Cytogenetic location: Xq21.1.
Variant type: single nucleotide variant.
Coding change: c.1252C>G on transcript NM_000489.6 (MANE Select); coding-DNA position 1252, C replaced by G.
Protein change: p.Arg418Gly; replaces arginine 418 with glycine.
Molecular consequence: missense variant.
Genome position (GRCh38, 1-based): chrX:77,684,004, G>C on the plus strand (C>G on the coding strand, the complement: ATRX is on the minus strand). VCF-style: chrX-77684004-G-C. GRCh37 (hg19) VCF-style: chrX-76939496-G-C.
Other names: c.1138C>G, p.Arg380Gly (NM_138270.5); short protein forms R418G, R380G.
Identifiers: ClinVar variation 390478 (VCV000390478.5), dbSNP rs1057523785, ClinGen allele CA16608992.